The following is an entry in ClinVar:

ClinVar aggregate classification (germline): Pathogenic (1 of 4 stars; one submission).

Conditions:
Fraser syndrome 3. Identifiers: MedGen C4540040, MONDO:0054739, OMIM 617667.

Submission:

Myriad Genetics, Inc.
Classification: Pathogenic for Fraser syndrome 3. Last evaluated: 2026-02-18. Review status: criteria provided, single submitter. Criteria: Myriad Autosomal Dominant, Autosomal Recessive and X-Linked Classification Criteria (2023). Collection method: clinical testing. Allele origin: unknown.
Comment: NM_021150.3(GRIP1):c.2401C>T(R801*) is expected to be pathogenic in the context of Fraser syndrome, GRIP1-related. This variant is predicted to lead to an abnormal or absent protein product due to the creation of a premature termination codon in GRIP1, a gene where loss-of-function variants are known to be pathogenic. Please note: this variant was assessed in the context of healthy population screening.

NM_001366722.1(GRIP1):c.2557C>T (p.Arg853Ter)

Gene: GRIP1 (glutamate receptor interacting protein 1; minus strand). Cytogenetic location: 12q14.3.
Variant type: single nucleotide variant.
Coding change: c.2557C>T on transcript NM_001366722.1 (MANE Select); coding-DNA position 2557, C replaced by T.
Protein change: p.Arg853Ter; replaces arginine 853 with a stop codon.
Molecular consequence: nonsense.
Genome position (GRCh38, 1-based): chr12:66,379,344, G>A on the plus strand (C>T on the coding strand, the complement: GRIP1 is on the minus strand). VCF-style: chr12-66379344-G-A. GRCh37 (hg19) VCF-style: chr12-66773124-G-A.
Other names: c.2401C>T, p.Arg801Ter (NM_001178074.2, NM_001379351.1, NM_021150.4); c.2476C>T, p.Arg826Ter (NM_001366723.1, NM_001379348.1); c.2479C>T, p.Arg827Ter (NM_001366724.1, NM_001379347.1); c.2635C>T, p.Arg879Ter (NM_001379345.1); c.2557C>T, p.Arg853Ter (NM_001379346.1, NM_001439323.1); c.2404C>T, p.Arg802Ter (NM_001379349.1); c.2560C>T, p.Arg854Ter (NM_001439322.1); short protein forms R801*, R802*, R826*, R827*, R853*, R854*, R879*.
Identifiers: ClinVar variation 5015572 (VCV005015572.1).